The following is an entry in ClinVar:

NM_004826.4(ECEL1):c.512G>C (p.Gly171Ala)

Gene: ECEL1 (endothelin converting enzyme like 1; minus strand). Cytogenetic location: 2q37.1.
Variant type: single nucleotide variant.
Coding change: c.512G>C on transcript NM_004826.4 (MANE Select); coding-DNA position 512, G replaced by C.
Protein change: p.Gly171Ala; replaces glycine 171 with alanine.
Molecular consequence: missense variant.
Genome position (GRCh38, 1-based): chr2:232,486,142, C>G on the plus strand (G>C on the coding strand, the complement: ECEL1 is on the minus strand). VCF-style: chr2-232486142-C-G. GRCh37 (hg19) VCF-style: chr2-233350852-C-G.
Other names: c.512G>C, p.Gly171Ala (NM_001290787.2); short protein forms G171A.
Identifiers: ClinVar variation 1030846 (VCV001030846.3), dbSNP rs774385170, ClinGen allele CA2167583.

ClinVar aggregate classification (germline): Uncertain significance. Review status: criteria provided, multiple submitters, no conflicts (2 of 4 stars). 2 submissions from 2 submitters: Uncertain significance (2). Last evaluated 2023-01-10.

Conditions:
Distal arthrogryposis type 5D (DA5D). Identifiers: Orphanet 329457, MedGen C3554415, MONDO:0014028, OMIM 615065.
Inborn genetic diseases. Identifiers: MedGen C0950123, MeSH D030342.

Allele frequency attached by ClinVar (database versions not stated): gnomAD exomes 0.00015 and 0.00021; ExAC 0.00018; TOPMed 0.00024; gnomAD 0.00025 and 0.00026.

Submissions (2):

Ambry Genetics
Classification: Uncertain significance for Inborn genetic diseases. Last evaluated: 2023-01-10. Review status: criteria provided, single submitter. Criteria: Ambry Variant Classification Scheme 2023. Collection method: clinical testing. Allele origin: germline.

Baylor Genetics
Classification: Uncertain significance for Distal arthrogryposis type 5D. Last evaluated: 2020-11-03. Review status: criteria provided, single submitter. Criteria: ACMG Guidelines, 2015. Collection method: clinical testing. Allele origin: paternal. Affected: yes.
Comment: This variant was determined to be of uncertain significance according to ACMG Guidelines, 2015 [PMID:25741868].